The following is an entry in ClinVar:

ClinVar aggregate classification (germline): Uncertain significance (1 of 4 stars; one submission).

Allele frequency attached by ClinVar (database versions not stated): gnomAD 0.00001 and 0.00002; TOPMed 0.00001; gnomAD exomes 0.00002; ExAC 0.00003.
gnomAD v4.1: 9 of 1,601,598 alleles (0.00056%); highest among the groups gnomAD compares: Admixed American, 0.0052%; no homozygotes.

Submission:

Labcorp Genetics (formerly Invitae), Labcorp
Classification: Uncertain significance. Last evaluated: 2023-08-10. Review status: criteria provided, single submitter. Criteria: Invitae Variant Classification Sherloc (09022015). Collection method: clinical testing. Allele origin: germline.
Comment: In summary, the available evidence is currently insufficient to determine the role of this variant in disease. Therefore, it has been classified as a Variant of Uncertain Significance. Advanced modeling of protein sequence and biophysical properties (such as structural, functional, and spatial information, amino acid conservation, physicochemical variation, residue mobility, and thermodynamic stability) performed at Invitae indicates that this missense variant is not expected to disrupt IFT81 protein function. ClinVar contains an entry for this variant (Variation ID: 1026617). This variant has not been reported in the literature in individuals affected with IFT81-related conditions. This variant is present in population databases (rs774113612, gnomAD 0.006%). This sequence change replaces arginine, which is basic and polar, with histidine, which is basic and polar, at codon 554 of the IFT81 protein (p.Arg554His).

NM_014055.4(IFT81):c.1661G>A (p.Arg554His)

Gene: IFT81 (intraflagellar transport 81; plus strand). Cytogenetic location: 12q24.11.
Variant type: single nucleotide variant.
Coding change: c.1661G>A on transcript NM_014055.4 (MANE Select); coding-DNA position 1661, G replaced by A.
Protein change: p.Arg554His; replaces arginine 554 with histidine.
Molecular consequence: missense variant. On other transcripts: non-coding transcript variant (4).
Genome position (GRCh38, 1-based): chr12:110,205,459, G>A. VCF-style: chr12-110205459-G-A. GRCh37 (hg19) VCF-style: chr12-110643264-G-A.
Other names: c.1661G>A, p.Arg554His (NM_001143779.2); c.731G>A, p.Arg244His (NM_001347947.2, NM_001347948.2); short protein forms R244H, R554H.
Identifiers: ClinVar variation 1026617 (VCV001026617.6), dbSNP rs774113612, ClinGen allele CA6783443.